The following is an entry in ClinVar:

ClinVar aggregate classification (germline): Uncertain significance. Review status: criteria provided, multiple submitters, no conflicts (2 of 4 stars). 2 submissions from 2 submitters: Uncertain significance (2). Last evaluated 2026-03-06.

Conditions:
Inborn genetic diseases. Identifiers: MedGen C0950123, MeSH D030342.

Submissions (2):

GeneDx
Classification: Uncertain significance. Last evaluated: 2026-03-06. Review status: criteria provided, single submitter. Criteria: GeneDx Variant Classification Process June 2021. Collection method: clinical testing. Allele origin: germline.
Comment: Not observed at significant frequency in large population cohorts (gnomAD); In silico analysis supports that this missense variant has a deleterious effect on protein structure/function; Has not been previously published as pathogenic or benign to our knowledge

Ambry Genetics
Classification: Uncertain significance for Inborn genetic diseases. Last evaluated: 2025-12-11. Review status: criteria provided, single submitter. Criteria: Ambry Variant Classification Scheme 2023. Collection method: clinical testing. Allele origin: germline.

NM_013275.6(ANKRD11):c.119C>A (p.Pro40Gln)

Gene: ANKRD11 (ankyrin repeat domain 11; minus strand). Cytogenetic location: 16q24.3.
Variant type: single nucleotide variant.
Coding change: c.119C>A on transcript NM_013275.6 (MANE Select); coding-DNA position 119, C replaced by A.
Protein change: p.Pro40Gln; replaces proline 40 with glutamine.
Molecular consequence: missense variant. On other transcripts: non-coding transcript variant (1).
Genome position (GRCh38, 1-based): chr16:89,305,313, G>T on the plus strand (C>A on the coding strand, the complement: ANKRD11 is on the minus strand). VCF-style: chr16-89305313-G-T. GRCh37 (hg19) VCF-style: chr16-89371721-G-T.
Other names: c.119C>A, p.Pro40Gln (NM_001256182.2, NM_001256183.2); c.119C>A (NM_013275.5); short protein forms P40Q.
Identifiers: ClinVar variation 4578307 (VCV004578307.2).